The following is an entry in ClinVar:

ClinVar aggregate classification (germline): Uncertain significance (1 of 4 stars; one submission).

Conditions:
Developmental and epileptic encephalopathy, 23 (DEE23). Also called: Epileptic encephalopathy, early infantile, 23. Identifiers: Orphanet 411986, MedGen C4014492, MONDO:0014371, OMIM 615859.

Allele frequency attached by ClinVar (database versions not stated): gnomAD exomes below 0.00001; gnomAD 0.00001; 1000 Genomes Project 30x 0.00016; 1000 Genomes Project 0.00020.
gnomAD v4.1: 2 of 1,613,584 alleles (0.00012%); highest among the groups gnomAD compares: East Asian, 0.0022%; no homozygotes.

Submission:

Labcorp Genetics (formerly Invitae), Labcorp
Classification: Uncertain significance for Developmental and epileptic encephalopathy, 23. Last evaluated: 2025-12-11. Review status: criteria provided, single submitter. Criteria: Invitae Variant Classification Sherloc (09022015). Collection method: clinical testing. Allele origin: germline.
Comment: This sequence change replaces serine, which is neutral and polar, with cysteine, which is neutral and slightly polar, at codon 882 of the DOCK7 protein (p.Ser882Cys). This variant is not present in population databases (gnomAD no frequency). This variant has not been reported in the literature in individuals affected with DOCK7-related conditions. ClinVar contains an entry for this variant (Variation ID: 567392). Invitae Evidence Modeling of protein sequence and biophysical properties (such as structural, functional, and spatial information, amino acid conservation, physicochemical variation, residue mobility, and thermodynamic stability) indicates that this missense variant is not expected to disrupt DOCK7 protein function with a negative predictive value of 80%. In summary, the available evidence is currently insufficient to determine the role of this variant in disease. Therefore, it has been classified as a Variant of Uncertain Significance.

NM_001367561.1(DOCK7):c.2645C>G (p.Ser882Cys)

Gene: DOCK7 (dedicator of cytokinesis 7; minus strand). Cytogenetic location: 1p31.3.
Variant type: single nucleotide variant.
Coding change: c.2645C>G on transcript NM_001367561.1 (MANE Select); coding-DNA position 2645, C replaced by G.
Protein change: p.Ser882Cys; replaces serine 882 with cysteine.
Molecular consequence: missense variant.
Genome position (GRCh38, 1-based): chr1:62,552,853, G>C on the plus strand (C>G on the coding strand, the complement: DOCK7 is on the minus strand). VCF-style: chr1-62552853-G-C. GRCh37 (hg19) VCF-style: chr1-63018524-G-C.
Other names: c.2645C>G, p.Ser882Cys (NM_001271999.2, NM_001272000.2, NM_001272001.2 and 2 more transcripts); short protein forms S882C.
Identifiers: ClinVar variation 567392 (VCV000567392.7), dbSNP rs540501017, ClinGen allele CA23749485.